The following is an entry in ClinVar:

ClinVar aggregate classification (germline): Uncertain significance (1 of 4 stars; one submission).

Conditions:
Lower motor neuron syndrome with late-adult onset (SMAJ). Also called: Spinal muscular atrophy, Jokela type; Late-Onset Spinal Motor Neuronopathy (SMAJ). Identifiers: Orphanet 276435, MedGen C3554398, MONDO:0014025, OMIM 615048.
Frontotemporal dementia and/or amyotrophic lateral sclerosis 2. Also called: FTDALS2. Identifiers: Orphanet 275872, MedGen C4014648, MONDO:0014395, OMIM 615911.
Autosomal dominant mitochondrial myopathy with exercise intolerance (IMMD). Also called: Myopathy, isolated mitochondrial, autosomal dominant. Identifiers: Orphanet 457050, MedGen C4015513, MONDO:0014532, OMIM 616209.

Allele frequency attached by ClinVar (database versions not stated): TOPMed below 0.00001; gnomAD 0.00001.
gnomAD v4.1: 3 of 1,223,308 alleles (0.00025%); highest among the groups gnomAD compares: Non-Finnish European, 0.00032%; no homozygotes.

Submission:

Labcorp Genetics (formerly Invitae), Labcorp
Classification: Uncertain significance for Lower motor neuron syndrome with late-adult onset; Frontotemporal dementia and/or amyotrophic lateral sclerosis 2; Autosomal dominant mitochondrial myopathy with exercise intolerance. Last evaluated: 2024-01-02. Review status: criteria provided, single submitter. Criteria: Invitae Variant Classification Sherloc (09022015). Collection method: clinical testing. Allele origin: germline.
Comment: This sequence change replaces arginine, which is basic and polar, with cysteine, which is neutral and slightly polar, at codon 15 of the CHCHD10 protein (p.Arg15Cys). This variant is not present in population databases (gnomAD no frequency). This variant has not been reported in the literature in individuals affected with CHCHD10-related conditions. ClinVar contains an entry for this variant (Variation ID: 1897589). Experimental studies and prediction algorithms are not available or were not evaluated, and the functional significance of this variant is currently unknown. This variant disrupts the p.Arg15 amino acid residue in CHCHD10. Other variant(s) that disrupt this residue have been determined to be pathogenic (PMID: 25113787, 25261972, 25681414, 28585542). This suggests that this residue is clinically significant, and that variants that disrupt this residue are likely to be disease-causing. In summary, the available evidence is currently insufficient to determine the role of this variant in disease. Therefore, it has been classified as a Variant of Uncertain Significance.

Literature cited by the submitters: PubMed 25113787; PubMed 25261972; PubMed 25681414; PubMed 28585542.

NM_213720.3(CHCHD10):c.43C>T (p.Arg15Cys)

Gene: CHCHD10 (coiled-coil-helix-coiled-coil-helix domain containing 10; minus strand). Cytogenetic location: 22q11.23.
Variant type: single nucleotide variant.
Coding change: c.43C>T on transcript NM_213720.3 (MANE Select); coding-DNA position 43, C replaced by T.
Protein change: p.Arg15Cys; replaces arginine 15 with cysteine.
Molecular consequence: missense variant.
Genome position (GRCh38, 1-based): chr22:23,767,592, G>A on the plus strand (C>T on the coding strand, the complement: CHCHD10 is on the minus strand). VCF-style: chr22-23767592-G-A. GRCh37 (hg19) VCF-style: chr22-24109779-G-A.
Other names: c.43C>T, p.Arg15Cys (NM_001301339.2); short protein forms R15C.
Identifiers: ClinVar variation 1897589 (VCV001897589.5), dbSNP rs730880032, ClinGen allele CA410917079.